The following is an entry in ClinVar:

ClinVar aggregate classification (germline): Pathogenic (1 of 4 stars; one submission).

Conditions:
Familial cancer of breast. Also called: Hereditary breast cancer; BREAST CANCER, FAMILIAL; hereditary breast carcinoma. Identifiers: Orphanet 227535, MedGen C0346153, MONDO:0016419, OMIM 114480. Disease mechanism: loss of function.

Submission:

Myriad Genetics, Inc.
Classification: Pathogenic for Familial cancer of breast. Last evaluated: 2023-05-19. Review status: criteria provided, single submitter. Criteria: Myriad Autosomal Dominant, Autosomal Recessive and X-Linked Classification Criteria (2023). Collection method: clinical testing. Allele origin: unknown.
Comment: This variant is considered pathogenic. This variant creates a frameshift predicted to result in premature protein truncation.

NM_000465.4(BARD1):c.550del (p.Ser184fs)

Gene: BARD1 (BRCA1 associated RING domain 1; minus strand). Cytogenetic location: 2q35.
Variant type: Deletion.
Coding change: c.550del on transcript NM_000465.4 (MANE Select); coding-DNA position 550, one base deleted (T; older notation c.550delT).
Protein change: p.Ser184fs; shifts the reading frame from serine 184.
Molecular consequence: frameshift variant. On other transcripts: non-coding transcript variant (2), intron variant (3).
Genome position (GRCh38, 1-based): chr2:214,781,324, A deleted on the plus strand (T on the coding strand, the reverse complement: BARD1 is on the minus strand); the first of 3 consecutive A bases (chr2:214,781,324-214,781,326); deleting any one gives the same sequence. VCF-style (leftmost placement, unchanged base first): chr2-214781323-GA-G. GRCh37 (hg19) VCF-style: chr2-215646047-GA-G.
Other names: c.493del, p.Ser165fs (NM_001282543.2); c.158+28088del (NM_001282548.2); c.215+15737del (NM_001282545.2); c.364+10973del (NM_001282549.2); short protein forms S165fs, S184fs.
Identifiers: ClinVar variation 2583369 (VCV002583369.2), dbSNP rs2469512011, ClinGen allele CA2582342106.